The following is an entry in ClinVar:

ClinVar aggregate classification (germline): Uncertain significance. Review status: criteria provided, multiple submitters, no conflicts (2 of 4 stars). 3 submissions from 3 submitters: Uncertain significance (3). Last evaluated 2024-11-14.

Conditions:
Inborn genetic diseases. Identifiers: MedGen C0950123, MeSH D030342.

gnomAD v4.1: 78 of 1,544,556 alleles (0.005%); highest among the groups gnomAD compares: Admixed American, 0.029%; no homozygotes.

Submissions (3):

Blueprint Genetics
Classification: Uncertain significance. Last evaluated: 2024-11-14. Review status: criteria provided, single submitter. Criteria: ACMG Guidelines, 2015. Collection method: clinical testing. Allele origin: germline.

Ambry Genetics
Classification: Uncertain significance for Inborn genetic diseases. Last evaluated: 2024-09-10. Review status: criteria provided, single submitter. Criteria: Ambry Variant Classification Scheme 2023. Collection method: clinical testing. Allele origin: germline.

Labcorp Genetics (formerly Invitae), Labcorp
Classification: Uncertain significance. Last evaluated: 2022-10-13. Review status: criteria provided, single submitter. Criteria: Invitae Variant Classification Sherloc (09022015). Collection method: clinical testing. Allele origin: germline.
Comment: This sequence change replaces arginine, which is basic and polar, with serine, which is neutral and polar, at codon 106 of the MESP2 protein (p.Arg106Ser). This variant is present in population databases (rs144331163, gnomAD 0.02%). This variant has not been reported in the literature in individuals affected with MESP2-related conditions. Advanced modeling of protein sequence and biophysical properties (such as structural, functional, and spatial information, amino acid conservation, physicochemical variation, residue mobility, and thermodynamic stability) has been performed at Invitae for this missense variant, however the output from this modeling did not meet the statistical confidence thresholds required to predict the impact of this variant on MESP2 protein function. In summary, the available evidence is currently insufficient to determine the role of this variant in disease. Therefore, it has been classified as a Variant of Uncertain Significance.

NM_001039958.2(MESP2):c.316C>A (p.Arg106Ser)

Genes: MESP2 (mesoderm posterior bHLH transcription factor 2; plus strand), LOC130057891 (ATAC-STARR-seq lymphoblastoid silent region 6806; plus strand). Cytogenetic location: 15q26.1.
Variant type: single nucleotide variant.
Coding change: c.316C>A on transcript NM_001039958.2 (MANE Select); coding-DNA position 316, C replaced by A.
Protein change: p.Arg106Ser; replaces arginine 106 with serine.
Molecular consequence: missense variant.
Genome position (GRCh38, 1-based): chr15:89,776,673, C>A. VCF-style: chr15-89776673-C-A. GRCh37 (hg19) VCF-style: chr15-90319904-C-A.
Other names: c.316C>A (NM_001039958.1); short protein forms R106S.
Identifiers: ClinVar variation 2200429 (VCV002200429.3), dbSNP rs144331163, ClinGen allele CA7730394.